The following is an entry in ClinVar:

ClinVar aggregate classification (germline): Uncertain significance (1 of 4 stars; one submission).

Conditions:
Developmental and epileptic encephalopathy. Identifiers: MedGen C5779964, MONDO:0100620.

Allele frequency attached by ClinVar (database versions not stated): gnomAD 0.00001.
gnomAD v4.1: 1 of 1,613,836 alleles (0.000062%); highest among the groups gnomAD compares: Non-Finnish European, 0.000085%; no homozygotes.

Submission:

Labcorp Genetics (formerly Invitae), Labcorp
Classification: Uncertain significance for Early-infantile DEE. Last evaluated: 2022-07-19. Review status: criteria provided, single submitter. Criteria: Invitae Variant Classification Sherloc (09022015). Collection method: clinical testing. Allele origin: germline.
Comment: This variant has not been reported in the literature in individuals affected with CACNA2D2-related conditions. This variant is present in population databases (no rsID available, gnomAD 0.007%). This sequence change replaces threonine, which is neutral and polar, with serine, which is neutral and polar, at codon 368 of the CACNA2D2 protein (p.Thr368Ser). ClinVar contains an entry for this variant (Variation ID: 1376755). In summary, the available evidence is currently insufficient to determine the role of this variant in disease. Therefore, it has been classified as a Variant of Uncertain Significance. Algorithms developed to predict the effect of missense changes on protein structure and function are either unavailable or do not agree on the potential impact of this missense change (SIFT: "Tolerated"; PolyPhen-2: "Probably Damaging"; Align-GVGD: "Class C0").

NM_006030.4(CACNA2D2):c.1103C>G (p.Thr368Ser)

Gene: CACNA2D2 (calcium voltage-gated channel auxiliary subunit alpha2delta 2; minus strand). Cytogenetic location: 3p21.31.
Variant type: single nucleotide variant.
Coding change: c.1103C>G on transcript NM_006030.4 (MANE Select); coding-DNA position 1103, C replaced by G.
Protein change: p.Thr368Ser; replaces threonine 368 with serine.
Molecular consequence: missense variant.
Genome position (GRCh38, 1-based): chr3:50,379,481, G>C on the plus strand (C>G on the coding strand, the complement: CACNA2D2 is on the minus strand). VCF-style: chr3-50379481-G-C. GRCh37 (hg19) VCF-style: chr3-50416912-G-C.
Other names: c.1103C>G, p.Thr368Ser (NM_001005505.3, NM_001174051.3); c.896C>G, p.Thr299Ser (NM_001291101.1); short protein forms T299S, T368S.
Identifiers: ClinVar variation 1376755 (VCV001376755.6), dbSNP rs1343864972, ClinGen allele CA352935670.